The following is an entry in ClinVar:

ClinVar aggregate classification (germline): Likely pathogenic (1 of 4 stars; one submission).

Conditions:
Marfan syndrome (MFS). Also called: MARFAN SYNDROME, TYPE I; Marfan syndrome type 1; Marfan's syndrome; Marfan syndrome, classic; FBN1-Related Marfan Syndrome. Identifiers: Orphanet 284963, Orphanet 558, MedGen C0024796, MONDO:0007947, OMIM 154700.
Familial thoracic aortic aneurysm and aortic dissection (TAAD). Also called: Thoracic aortic aneurysms and dissections. Identifiers: Orphanet 91387, MedGen C4707243, MONDO:0019625.

Submission:

Labcorp Genetics (formerly Invitae), Labcorp
Classification: Likely pathogenic for Marfan syndrome; Familial thoracic aortic aneurysm and aortic dissection. Last evaluated: 2024-05-20. Review status: criteria provided, single submitter. Criteria: Invitae Variant Classification Sherloc (09022015). Collection method: clinical testing. Allele origin: germline.
Comment: This sequence change affects a donor splice site in intron 50 of the FBN1 gene. It is expected to disrupt RNA splicing. Variants that disrupt the donor or acceptor splice site typically lead to a loss of protein function (PMID: 16199547), and loss-of-function variants in FBN1 are known to be pathogenic (PMID: 17657824, 19293843). This variant is not present in population databases (gnomAD no frequency). This variant has not been reported in the literature in individuals affected with FBN1-related conditions. Algorithms developed to predict the effect of sequence changes on RNA splicing suggest that this variant may disrupt the consensus splice site. In summary, the currently available evidence indicates that the variant is pathogenic, but additional data are needed to prove that conclusively. Therefore, this variant has been classified as Likely Pathogenic.

Literature cited by the submitters: PubMed 16199547; PubMed 17657824; PubMed 19293843.

NM_000138.5(FBN1):c.6163+1G>T

Gene: FBN1 (fibrillin 1; minus strand). Cytogenetic location: 15q21.1.
Variant type: single nucleotide variant.
Coding change: c.6163+1G>T on transcript NM_000138.5 (MANE Select); the canonical splice donor site of the intron after coding-DNA position 6163, G replaced by T.
Molecular consequence: splice donor variant.
Genome position (GRCh38, 1-based): chr15:48,441,720, C>A on the plus strand (G>T on the coding strand, the complement: FBN1 is on the minus strand). VCF-style: chr15-48441720-C-A. GRCh37 (hg19) VCF-style: chr15-48733917-C-A.
Other names: c.6163+1G>T (NM_001406716.1).
Identifiers: ClinVar variation 3754994 (VCV003754994.2).
Genomic context (GRCh38, chr15:48,441,720, plus strand): 5'-AATAAGACCACCACAAATAAACATGCAGCATTGAAAGCCCAAAGCCTTCAAAGACACTTA[C>A]CTTGGCACCTTCTTCCACTGGAGGACAAGGAAAACCCTTCTGGACACAGACATTTGAAGC-3'